The following is an entry in ClinVar:

ClinVar aggregate classification (germline): Uncertain significance. Review status: criteria provided, multiple submitters, no conflicts (2 of 4 stars). 2 submissions from 2 submitters: Uncertain significance (2). Last evaluated 2023-01-31.

Conditions:
Ehlers-Danlos syndrome, dermatosparaxis type. Also called: Dermatosparaxis; EDS VIIC; Ehlers-Danlos syndrome, type VII, autosomal recessive. Identifiers: Orphanet 1901, MedGen C2700425, MONDO:0009161, OMIM 225410.

Allele frequency attached by ClinVar (database versions not stated): gnomAD 0.00001; TOPMed 0.00001.
gnomAD v4.1: 19 of 1,611,764 alleles (0.0012%); highest among the groups gnomAD compares: East Asian, 0.0067%; no homozygotes.

Submissions (2):

Mayo Clinic Laboratories, Mayo Clinic
Classification: Uncertain significance. Last evaluated: 2023-01-31. Review status: criteria provided, single submitter. Criteria: ACMG Guidelines, 2015. Collection method: clinical testing. Allele origin: germline. Observed: 1 variant allele.
Comment: BP4_strong

Labcorp Genetics (formerly Invitae), Labcorp
Classification: Uncertain significance for Ehlers-Danlos syndrome, dermatosparaxis type. Last evaluated: 2022-08-16. Review status: criteria provided, single submitter. Criteria: Invitae Variant Classification Sherloc (09022015). Collection method: clinical testing. Allele origin: germline.
Comment: This sequence change replaces valine, which is neutral and non-polar, with methionine, which is neutral and non-polar, at codon 1102 of the ADAMTS2 protein (p.Val1102Met). This variant is present in population databases (rs762648423, gnomAD 0.007%). This variant has not been reported in the literature in individuals affected with ADAMTS2-related conditions. Algorithms developed to predict the effect of missense changes on protein structure and function output the following: SIFT: "Tolerated"; PolyPhen-2: "Benign"; Align-GVGD: "Class C0". The methionine amino acid residue is found in multiple mammalian species, which suggests that this missense change does not adversely affect protein function. In summary, the available evidence is currently insufficient to determine the role of this variant in disease. Therefore, it has been classified as a Variant of Uncertain Significance.

NM_014244.5(ADAMTS2):c.3304G>A (p.Val1102Met)

Gene: ADAMTS2 (ADAM metallopeptidase with thrombospondin type 1 motif 2; minus strand). Cytogenetic location: 5q35.3.
Variant type: single nucleotide variant.
Coding change: c.3304G>A on transcript NM_014244.5 (MANE Select); coding-DNA position 3304, G replaced by A.
Protein change: p.Val1102Met; replaces valine 1102 with methionine.
Molecular consequence: missense variant.
Genome position (GRCh38, 1-based): chr5:179,114,199, C>T on the plus strand (G>A on the coding strand, the complement: ADAMTS2 is on the minus strand). VCF-style: chr5-179114199-C-T. GRCh37 (hg19) VCF-style: chr5-178541200-C-T.
Other names: p.Val1102Met; short protein forms V1102M.
Identifiers: ClinVar variation 1975534 (VCV001975534.3), dbSNP rs762648423, ClinGen allele CA133019707.